The following is an entry in ClinVar:

ClinVar aggregate classification (germline): Pathogenic/Likely pathogenic. Review status: criteria provided, multiple submitters, no conflicts (2 of 4 stars). 10 submissions from 9 submitters: Pathogenic (6); Likely pathogenic (4). Last evaluated 2025-07-25.

Conditions:
NF1-related disorder. Also called: NF1-related condition. Identifiers: MedGen CN379171.
Hereditary cancer-predisposing syndrome. Also called: Hereditary neoplastic syndrome; Tumor predisposition; Hereditary Cancer Syndrome; Neoplastic Syndromes, Hereditary. Identifiers: Orphanet 140162, MedGen C0027672, MeSH D009386, MONDO:0015356.
Cardiovascular phenotype. Identifiers: MedGen CN230736.
Neurofibromatosis, type 1 (NF1). Also called: Peripheral type neurofibromatosis; NEUROFIBROMATOSIS, TYPE I, SOMATIC; VON RECKLINGHAUSEN DISEASE; Neurofibromatosis, type I. Identifiers: Orphanet 636, MedGen C0027831, MONDO:0018975, OMIM 162200. Disease mechanism: loss of function.

Submissions (10):

Ambry Genetics
Classification: Pathogenic for Cardiovascular phenotype; Hereditary cancer-predisposing syndrome. Last evaluated: 2025-07-25. Review status: criteria provided, single submitter. Criteria: Ambry Variant Classification Scheme 2023. Collection method: clinical testing. Allele origin: germline.
Comment: The p.C709R pathogenic mutation (also known as c.2125T>C), located in coding exon 18 of the NF1 gene, results from a T to C substitution at nucleotide position 2125. The cysteine at codon 709 is replaced by arginine, an amino acid with highly dissimilar properties. This variant was reported in individual(s) with features consistent with neurofibromatosis type 1 and segregated with disease in at least one family (Xu M et al. Front Genet. 2018 Jul;9:270; Frayling IM et al. J. Med. Genet. 2019 Apr;56:209-219; Chen L et al. Mol Genet Genomic Med. 2019 Jul;:e904; Kang E et al. J Hum Genet. 2020 Jan;65:79-89; Tang J et al. Genes (Basel) 2022 Nov;13:; Ambry internal data). This amino acid position is highly conserved in available vertebrate species. In addition, this alteration is predicted to be deleterious by in silico analysis. This variant was not reported in population-based cohorts in the Genome Aggregation Database (gnomAD). Based on the supporting evidence, this variant is interpreted as a disease-causing mutation.

Molecular Pathology, Peter Maccallum Cancer Centre
Classification: Pathogenic for Neurofibromatosis, type 1. Last evaluated: 2024-10-18. Review status: criteria provided, single submitter. Criteria: ACMG Guidelines, 2015. Collection method: clinical testing. Allele origin: germline. Inheritance: Autosomal dominant inheritance.

GeneDx
Classification: Likely pathogenic. Last evaluated: 2024-08-16. Review status: criteria provided, single submitter. Criteria: GeneDx Variant Classification Process June 2021. Collection method: clinical testing. Allele origin: germline. Affected: yes.
Comment: In silico analysis supports that this missense variant has a deleterious effect on protein structure/function; Not observed at significant frequency in large population cohorts (gnomAD); This variant is associated with the following publications: (PMID: 28955729, 30530636, 30087692, 25486365, 31730495, 31776437, 36553485, 31347283)

Blueprint Genetics
Classification: Pathogenic for NF1-related disorders. Last evaluated: 2024-06-26. Review status: criteria provided, single submitter. Criteria: ACMG Guidelines, 2015. Collection method: clinical testing. Allele origin: germline. Affected: yes. Observed: 1 variant allele.

Labcorp Genetics (formerly Invitae), Labcorp
Classification: Pathogenic for Neurofibromatosis, type 1. Last evaluated: 2023-01-30. Review status: criteria provided, single submitter. Criteria: Invitae Variant Classification Sherloc (09022015). Collection method: clinical testing. Allele origin: germline.
Comment: This sequence change replaces cysteine, which is neutral and slightly polar, with arginine, which is basic and polar, at codon 709 of the NF1 protein (p.Cys709Arg). For these reasons, this variant has been classified as Pathogenic. Advanced modeling of protein sequence and biophysical properties (such as structural, functional, and spatial information, amino acid conservation, physicochemical variation, residue mobility, and thermodynamic stability) performed at Invitae indicates that this missense variant is expected to disrupt NF1 protein function. ClinVar contains an entry for this variant (Variation ID: 428974). This missense change has been observed in individual(s) with clinical features of neurofibromatosis type 1 (PMID: 28955729, 30530636; Invitae). In at least one individual the variant was observed to be de novo. This variant is not present in population databases (gnomAD no frequency).

Genome-Nilou Lab
Classification: Likely pathogenic for Neurofibromatosis, type 1. Last evaluated: 2022-03-15. Review status: criteria provided, single submitter. Criteria: ACMG Guidelines, 2015. Collection method: clinical testing. Allele origin: germline. Affected: no.

Ambry Genetics
Classification: Likely pathogenic for Hereditary cancer-predisposing syndrome. Last evaluated: 2019-10-08. Review status: criteria provided, single submitter. Criteria: Ambry Autosomal Dominant and X-Linked criteria (3/2017). Collection method: clinical testing. Allele origin: germline. Observed: 1 variant allele.
Comment: The p.C709R variant (also known as c.2125T>C), located in coding exon 18 of the NF1 gene, results from a T to C substitution at nucleotide position 2125. The cysteine at codon 709 is replaced by arginine, an amino acid with highly dissimilar properties. This variant has been identified in multiple individuals meeting clinical diagnostic criteria for neurofibromatosis type 1 (Frayling IM et al. J. Med. Genet. 2019 Apr;56:209-219; Chen L et al. Mol Genet Genomic Med. 2019 Jul;:e904). This variant was not reported in population-based cohorts in the Genome Aggregation Database (gnomAD). This amino acid position is highly conserved in available vertebrate species. In addition, this alteration is predicted to be deleterious by in silico analysis. Based on the majority of available evidence to date, this variant is likely to be pathogenic.

Women's Health and Genetics/Laboratory Corporation of America, LabCorp
Classification: Pathogenic for Neurofibromatosis, type 1. Last evaluated: 2019-09-16. Review status: criteria provided, single submitter. Criteria: LabCorp Variant Classification Summary - May 2015. Collection method: clinical testing. Allele origin: germline.
Comment: Variant summary: NF1 c.2125T>C (p.Cys709Arg) results in a non-conservative amino acid change in the encoded protein sequence. Four of five in-silico tools predict a damaging effect of the variant on protein function. The variant was absent in 251046 control chromosomes (gnomAD). c.2125T>C has been reported in the literature in individuals affected with Neurofibromatosis Type 1 (e.g. Anastasaki_2017, Frayling_2019) and has been shown to co-segregate with disease in a family (Chen_2019). These data indicate that the variant is very likely to be associated with disease. To our knowledge, no experimental evidence demonstrating an impact on protein function has been reported. Two ClinVar submitters (evaluation after 2014) cite the variant as likely pathogenic and uncertain significance. Based on the evidence outlined above, the variant was classified as pathogenic.

CeGaT Center for Human Genetics Tuebingen
Classification: Likely pathogenic. Last evaluated: 2018-08-01. Review status: criteria provided, single submitter. Criteria: CeGaT Center For Human Genetics Tuebingen Variant Classification Criteria Version 2. Collection method: clinical testing. Allele origin: germline. Affected: yes. Observed: 2 variant alleles.

Kasturba Medical College, Manipal, Kasturba Medical College, Manipal, Manipal Academy of Higher Education, Manipal, India
Classification: Pathogenic for Neurofibromatosis, type 1. Review status: criteria provided, single submitter. Criteria: ACMG Guidelines, 2015. Collection method: clinical testing. Allele origin: de novo. Inheritance: Autosomal dominant inheritance. Affected: yes.

Literature cited by the submitters: PubMed 30087692 (cited by Ambry Genetics and Women's Health and Genetics/Laboratory Corporation of America, LabCorp); PubMed 30530636 (cited by 3 submitters); PubMed 31347283 (cited by Ambry Genetics and Women's Health and Genetics/Laboratory Corporation of America, LabCorp); PubMed 31776437 (cited by Ambry Genetics); PubMed 36553485 (cited by Ambry Genetics); PubMed 28955729 (cited by Labcorp Genetics (formerly Invitae), Labcorp and Women's Health and Genetics/Laboratory Corporation of America, LabCorp).

NM_001042492.3(NF1):c.2125T>C (p.Cys709Arg)

Gene: NF1 (neurofibromin 1; plus strand). Cytogenetic location: 17q11.2.
Variant type: single nucleotide variant.
Coding change: c.2125T>C on transcript NM_001042492.3 (MANE Select); coding-DNA position 2125, T replaced by C.
Protein change: p.Cys709Arg; replaces cysteine 709 with arginine.
Molecular consequence: missense variant.
Genome position (GRCh38, 1-based): chr17:31,226,558, T>C. VCF-style: chr17-31226558-T-C. GRCh37 (hg19) VCF-style: chr17-29553576-T-C.
Other names: c.2125T>C, p.Cys709Arg (NM_000267.4); short protein forms C709R.
Identifiers: ClinVar variation 428974 (VCV000428974.59), dbSNP rs1131691095, ClinGen allele CA398982309.